The following is an entry in ClinVar:

NM_022436.3(ABCG5):c.539T>A (p.Val180Glu)

Genes: ABCG5 (ATP binding cassette subfamily G member 5; minus strand), DYNC2LI1 (dynein cytoplasmic 2 light intermediate chain 1; plus strand). Cytogenetic location: 2p21.
Variant type: single nucleotide variant.
Coding change: c.539T>A on transcript NM_022436.3 (MANE Select); coding-DNA position 539, T replaced by A.
Protein change: p.Val180Glu; replaces valine 180 with glutamic acid.
Molecular consequence: missense variant. On other transcripts: 3 prime UTR variant (2).
Genome position (GRCh38, 1-based): chr2:43,828,078, A>T on the plus strand (T>A on the coding strand, the complement: ABCG5 is on the minus strand). VCF-style: chr2-43828078-A-T. GRCh37 (hg19) VCF-style: chr2-44055217-A-T.
Other names: c.*708A>T (NM_001348912.2, NM_001348913.2); short protein forms V180E.
Identifiers: ClinVar variation 1929900 (VCV001929900.5), dbSNP rs1310239351, ClinGen allele CA346667533.

ClinVar aggregate classification (germline): Uncertain significance. Review status: criteria provided, multiple submitters, no conflicts (2 of 4 stars). 2 submissions from 2 submitters: Uncertain significance (2). Last evaluated 2025-07-14.

Conditions:
Sitosterolemia (STSL). Also called: PHYTOSTEROLEMIA. Identifiers: Orphanet 2882, MedGen C0342907, MONDO:0008863.
Cardiovascular phenotype. Identifiers: MedGen CN230736.

Allele frequency attached by ClinVar (database versions not stated): gnomAD exomes below 0.00001; gnomAD 0.00001; TOPMed below 0.00001.
gnomAD v4.1: 6 of 1,614,038 alleles (0.00037%); highest among the groups gnomAD compares: Non-Finnish European, 0.00042%; no homozygotes.

Submissions (2):

Labcorp Genetics (formerly Invitae), Labcorp
Classification: Uncertain significance for Sitosterolemia. Last evaluated: 2025-07-14. Review status: criteria provided, single submitter. Criteria: Invitae Variant Classification Sherloc (09022015). Collection method: clinical testing. Allele origin: germline.
Comment: This sequence change replaces valine, which is neutral and non-polar, with glutamic acid, which is acidic and polar, at codon 180 of the ABCG5 protein (p.Val180Glu). This variant is not present in population databases (gnomAD no frequency). This variant has not been reported in the literature in individuals affected with ABCG5-related conditions. ClinVar contains an entry for this variant (Variation ID: 1929900). An algorithm developed to predict the effect of missense changes on protein structure and function (PolyPhen-2) suggests that this variant is likely to be disruptive. In summary, the available evidence is currently insufficient to determine the role of this variant in disease. Therefore, it has been classified as a Variant of Uncertain Significance.

Ambry Genetics
Classification: Uncertain significance for Cardiovascular phenotype. Last evaluated: 2025-02-19. Review status: criteria provided, single submitter. Criteria: Ambry Variant Classification Scheme 2023. Collection method: clinical testing. Allele origin: germline.